The following is an entry in ClinVar:

NM_020822.3(KCNT1):c.2944-52CTCC[12]

Gene: KCNT1 (potassium sodium-activated channel subfamily T member 1; plus strand). Cytogenetic location: 9q34.3.
Variant type: Microsatellite.
Coding change: c.2944-52CTCC[12] on transcript NM_020822.3 (MANE Select); 12 copies in a row of the 4-base unit CTCC starting at c.2944-52.
Molecular consequence: intron variant.
Genome position: GRCh38 VCF-style: chr9-135784482-G-GCTCC. GRCh37 (hg19) VCF-style: chr9-138676328-G-GCTCC.
Other names: c.2809-52CTCC[12] (NM_001272003.2).
Identifiers: ClinVar variation 3038164 (VCV003038164.2), dbSNP rs55843930, ClinGen allele CA591364618.

ClinVar aggregate classification (germline): Benign (0 of 4 stars; one submission).

Conditions:
KCNT1-related disorder. Also called: KCNT1-related condition.

Submission:

PreventionGenetics, part of Exact Sciences
Classification: Benign for KCNT1-related condition. Last evaluated: 2023-04-12. Review status: no assertion criteria provided. Collection method: clinical testing. Allele origin: germline.
Comment: This variant is classified as benign based on ACMG/AMP sequence variant interpretation guidelines (Richards et al. 2015 PMID: 25741868, with internal and published modifications).